The following is an entry in ClinVar:

ClinVar aggregate classification (germline): Pathogenic (1 of 4 stars; one submission).

Conditions:
Neurodevelopmental disorder. Identifiers: MedGen C1535926, MeSH D065886, MONDO:0700092.

gnomAD v4.1: 1 of 1,612,494 alleles (0.000062%); no homozygotes.

Submission:

Victorian Clinical Genetics Services, Murdoch Childrens Research Institute
Classification: Pathogenic for Neurodevelopmental disorder. Last evaluated: 2022-06-24. Review status: criteria provided, single submitter. Criteria: ACMG Guidelines, 2015. Collection method: clinical testing. Allele origin: germline. Inheritance: Autosomal dominant inheritance. Affected: yes.
Comment: Based on the classification scheme VCGS_Germline_v1.3.4, this variant is classified as Pathogenic. Following criteria are met: 0102 - Loss of function is a known mechanism of disease in this gene and is associated with neurodevelopmental disorder, ZFHX4-related (MONDO:0700092). (I) 0107 - This gene is associated with autosomal dominant disease. (I) 0201 - Variant is predicted to cause nonsense-mediated decay (NMD) and loss of protein (premature termination codon is located at least 54 nucleotides upstream of the final exon-exon junction). (SP) 0251 - This variant is heterozygous. (I) 0301 - Variant is absent from gnomAD (both v2 and v3). (SP) 0702 - Other NMD-predicted variants comparable to the one identified in this case have strong previous evidence for pathogenicity (DECIPHER, PMID: 33057194). The majority of these are from a study of a large developmental delay cohort where phenotypic information on the individuals with NMD-predicted variants is limited (PMID: 33057194). (SP) 0802 - This variant has moderate previous evidence of pathogenicity in unrelated individuals. This variant has been observed as de novo in an individual with syndromic developmental delay and classified as pathogenic (DECIPHER). (SP) 0905 - No published segregation evidence has been identified for this variant. (I) 1007 - No published functional evidence has been identified for this variant. (I) 1102 - Strong phenotype match for this individual. (SP) 1208 - Inheritance information for this variant is not currently available in this individual. (I) Legend: (SP) - Supporting pathogenic, (I) - Information, (SB) - Supporting benign

Literature cited by the submitters: PubMed 33057194.

NM_024721.5(ZFHX4):c.5695C>T (p.Arg1899Ter)

Gene: ZFHX4 (zinc finger homeobox 4; plus strand). Cytogenetic location: 8q21.13.
Variant type: single nucleotide variant.
Coding change: c.5695C>T on transcript NM_024721.5 (MANE Select); coding-DNA position 5695, C replaced by T.
Protein change: p.Arg1899Ter; replaces arginine 1899 with a stop codon.
Molecular consequence: nonsense.
Genome position (GRCh38, 1-based): chr8:76,852,616, C>T. VCF-style: chr8-76852616-C-T. GRCh37 (hg19) VCF-style: chr8-77764852-C-T.
Other names: short protein forms R1899*.
Identifiers: ClinVar variation 1699295 (VCV001699295.3), dbSNP rs1563560495, ClinGen allele CA371507380.